The following is an entry in ClinVar:

NM_173598.6(KSR2):c.986+9G>A

Gene: KSR2 (kinase suppressor of ras 2; minus strand). Cytogenetic location: 12q24.23.
Variant type: single nucleotide variant.
Coding change: c.986+9G>A on transcript NM_173598.6 (MANE Select); 9 bases into the intron after coding-DNA position 986, G replaced by A.
Molecular consequence: intron variant.
Genome position (GRCh38, 1-based): chr12:117,761,002, C>T on the plus strand (G>A on the coding strand, the complement: KSR2 is on the minus strand). VCF-style: chr12-117761002-C-T. GRCh37 (hg19) VCF-style: chr12-118198807-C-T.
Identifiers: ClinVar variation 4999091 (VCV004999091.1).

ClinVar aggregate classification (germline): Likely benign (1 of 4 stars; one submission).

Conditions:
KSR2-related disorder. Also called: KSR2-related condition.

gnomAD v4.1: 8 of 1,613,024 alleles (0.0005%); highest among the groups gnomAD compares: Non-Finnish European, 0.00059%; no homozygotes.

Submission:

PreventionGenetics, part of Exact Sciences
Classification: Likely benign for KSR2-related condition. Last evaluated: 2024-12-06. Review status: criteria provided, single submitter. Criteria: ACMG Guidelines, 2015. Collection method: clinical testing. Allele origin: germline.
Comment: This variant is classified as likely benign based on ACMG/AMP sequence variant interpretation guidelines (Richards et al. 2015 PMID: 25741868, with internal and published modifications).